The following is an entry in ClinVar:

NM_001367624.2(ZNF469):c.532C>G (p.Leu178Val)

Gene: ZNF469 (zinc finger protein 469; plus strand). Cytogenetic location: 16q24.2.
Variant type: single nucleotide variant.
Coding change: c.532C>G on transcript NM_001367624.2 (MANE Select); coding-DNA position 532, C replaced by G.
Protein change: p.Leu178Val; replaces leucine 178 with valine.
Molecular consequence: missense variant.
Genome position (GRCh38, 1-based): chr16:88,428,002, C>G. VCF-style: chr16-88428002-C-G. GRCh37 (hg19) VCF-style: chr16-88494410-C-G.
Other names: NM_001127464.1:c.532C>G; short protein forms L178V.
Identifiers: ClinVar variation 3232822 (VCV003232822.1), dbSNP rs771620429, ClinGen allele CA397060525.

ClinVar aggregate classification (germline): Uncertain significance (1 of 4 stars; one submission).

Conditions:
Cardiovascular phenotype. Identifiers: MedGen CN230736.

Submission:

Ambry Genetics
Classification: Uncertain significance for Cardiovascular phenotype. Last evaluated: 2023-11-26. Review status: criteria provided, single submitter. Criteria: Ambry Variant Classification Scheme 2023. Collection method: clinical testing. Allele origin: germline.
Comment: The p.L178V variant (also known as c.532C>G), located in coding exon 1 of the ZNF469 gene, results from a C to G substitution at nucleotide position 532. The leucine at codon 178 is replaced by valine, an amino acid with highly similar properties. This amino acid position is conserved. In addition, this alteration is predicted to be tolerated by in silico analysis. Since supporting evidence is limited at this time, the clinical significance of this alteration remains unclear.